The following is an entry in ClinVar:

ClinVar aggregate classification (germline): Likely benign. Review status: criteria provided, single submitter (1 of 4 stars). 2 submissions from 2 submitters: Likely benign (1). 1 of the submissions does not count toward it. Last evaluated 2018-05-31.

Conditions:
NRP2-related disorder. Also called: NRP2-related condition.

Allele frequency attached by ClinVar (database versions not stated): ESP Exome Variant Server 0.00015; gnomAD exomes 0.00021 and 0.00045; ExAC 0.00023; gnomAD 0.00029 and 0.00030; TOPMed 0.00040.
gnomAD v4.1: 682 of 1,614,074 alleles (0.042%); highest among the groups gnomAD compares: Non-Finnish European, 0.054%; no homozygotes.

Submissions (2):

Labcorp Genetics (formerly Invitae), Labcorp
Classification: Likely benign. Last evaluated: 2018-05-31. Review status: criteria provided, single submitter. Criteria: Invitae Variant Classification Sherloc (09022015). Collection method: clinical testing. Allele origin: germline.

PreventionGenetics, part of Exact Sciences
Classification: Likely benign for NRP2-related condition. Last evaluated: 2021-09-15. Review status: no assertion criteria provided. Collection method: clinical testing. Allele origin: germline. Not counted in ClinVar's aggregate classification.
Comment: This variant is classified as likely benign based on ACMG/AMP sequence variant interpretation guidelines (Richards et al. 2015 PMID: 25741868, with internal and published modifications).

NM_003872.3(NRP2):c.2568C>T (p.Thr856=)

Gene: NRP2 (neuropilin 2; plus strand). Cytogenetic location: 2q33.3.
Variant type: single nucleotide variant.
Coding change: c.2568C>T on transcript NM_003872.3 (MANE Select); coding-DNA position 2568, C replaced by T.
Protein change: p.Thr856=; no amino-acid change (threonine 856 retained).
Molecular consequence: synonymous variant.
Genome position (GRCh38, 1-based): chr2:205,794,845, C>T. VCF-style: chr2-205794845-C-T. GRCh37 (hg19) VCF-style: chr2-206659569-C-T.
Other names: c.2583C>T, p.Thr861= (NM_201266.2); c.2517C>T, p.Thr839= (NM_201279.2).
Identifiers: ClinVar variation 69499 (VCV000069499.5), dbSNP rs143954561, ClinGen allele CA2069615.
Genomic context (GRCh38, chr2:205,794,845, plus strand): 5'-TTCTGCAACCTCAGGGTCTGGCGCCCCCTCGACCGACAAAGAAAAGAGCTGGCTGTACAC[C>T]CTGGATCCCATCCTCATCACCATCATCGCCATGAGCTCACTGGGCGTCCTCCTGGGGGCC-3'
Protein context (NP_003863.2, residues 846-866): STDKEKSWLY[Thr856=]LDPILITIIA